The following is an entry in ClinVar:

ClinVar aggregate classification (germline): Likely benign. Review status: criteria provided, multiple submitters, no conflicts (2 of 4 stars). 3 submissions from 3 submitters: Likely benign (3). Last evaluated 2026-06-09.

Conditions:
Inborn genetic diseases. Identifiers: MedGen C0950123, MeSH D030342.
Wilms tumor 1 (WT1). Also called: Wilms tumor, somatic. Identifiers: Orphanet 654, MedGen CN033288, MONDO:0008679, OMIM 194070.

Allele frequency attached by ClinVar (database versions not stated): gnomAD exomes below 0.00001; gnomAD 0.00001; ExAC 0.00001.
gnomAD v4.1: 3 of 1,613,948 alleles (0.00019%); highest among the groups gnomAD compares: Non-Finnish European, 0.00025%; no homozygotes.

Submissions (3):

Ambry Genetics
Classification: Likely benign for Inborn genetic diseases. Last evaluated: 2026-06-09. Review status: criteria provided, single submitter. Criteria: Ambry Variant Classification Scheme 2023. Collection method: clinical testing. Allele origin: germline.

All of Us Research Program, National Institutes of Health
Classification: Likely benign for Wilms tumor 1. Last evaluated: 2023-03-23. Review status: criteria provided, single submitter. Criteria: ACMG Guidelines, 2015. Collection method: clinical testing. Allele origin: germline. Inheritance: Autosomal dominant inheritance. Observed: 1 variant allele, 1 heterozygote.
Comment: This study involves interpretation of variants in research participants for the purpose of population health screening. Participant phenotype was not available at the time of variant classification. Additional details can be found in publication PMID: 35346344, PMCID: PMC8962531

Color Diagnostics, LLC DBA Color Health
Classification: Likely benign for Wilms tumor 1. Last evaluated: 2023-02-08. Review status: criteria provided, single submitter. Criteria: ACMG Guidelines, 2015. Collection method: clinical testing. Allele origin: germline.

NM_024426.6(WT1):c.723G>A (p.Ala241=)

Gene: WT1 (WT1 transcription factor; minus strand). Cytogenetic location: 11p13.
Variant type: single nucleotide variant.
Coding change: c.723G>A on transcript NM_024426.6 (MANE Select); coding-DNA position 723, G replaced by A.
Protein change: p.Ala241=; no amino-acid change (alanine 241 retained).
Molecular consequence: synonymous variant. On other transcripts: 5 prime UTR variant (1), non-coding transcript variant (2), intron variant (2).
Genome position (GRCh38, 1-based): chr11:32,428,558, C>T on the plus strand (G>A on the coding strand, the complement: WT1 is on the minus strand). VCF-style: chr11-32428558-C-T. GRCh37 (hg19) VCF-style: chr11-32450104-C-T.
Other names: c.723G>A, p.Ala241= (NM_000378.6, NM_001407044.1, NM_001407045.1 and 4 more transcripts); c.72G>A, p.Ala24= (NM_001198551.2, NM_001198552.2); c.-40G>A (NM_001407051.1); c.504G>A, p.Ala168= (NM_001429031.1, NM_001429032.1, NM_001429033.1 and 1 more transcripts); c.708G>A, p.Ala236= (NM_024425.2); c.662-500G>A (NM_001407050.1, NM_001407047.1); c.708G>A (NM_024426.4).
Identifiers: ClinVar variation 3069983 (VCV003069983.3), dbSNP rs779321799, ClinGen allele CA065525.